The following is an entry in ClinVar:

NM_001042681.2(RERE):c.1079A>G (p.Asp360Gly)

Gene: RERE (arginine-glutamic acid dipeptide repeats; minus strand). Cytogenetic location: 1p36.23.
Variant type: single nucleotide variant.
Coding change: c.1079A>G on transcript NM_001042681.2 (MANE Select); coding-DNA position 1079, A replaced by G.
Protein change: p.Asp360Gly; replaces aspartic acid 360 with glycine.
Molecular consequence: missense variant.
Genome position (GRCh38, 1-based): chr1:8,495,088, T>C on the plus strand (A>G on the coding strand, the complement: RERE is on the minus strand). VCF-style: chr1-8495088-T-C. GRCh37 (hg19) VCF-style: chr1-8555148-T-C.
Other names: c.1079A>G, p.Asp360Gly (NM_012102.4); short protein forms D360G.
Identifiers: ClinVar variation 1334749 (VCV001334749.4), dbSNP rs2124233040, ClinGen allele CA338223433.

ClinVar aggregate classification (germline): Uncertain significance (1 of 4 stars; one submission).

Submission:

Greenwood Genetic Center Diagnostic Laboratories, Greenwood Genetic Center
Classification: Uncertain significance. Last evaluated: 2021-05-12. Review status: criteria provided, single submitter. Criteria: ACMG Guidelines, 2015. Collection method: clinical testing. Allele origin: germline. Affected: yes.
Comment: PM2